The following is an entry in ClinVar:

NM_006031.6(PCNT):c.2439C>T (p.Ser813=)

Gene: PCNT (pericentrin; plus strand). Cytogenetic location: 21q22.3.
Variant type: single nucleotide variant.
Coding change: c.2439C>T on transcript NM_006031.6 (MANE Select); coding-DNA position 2439, C replaced by T.
Protein change: p.Ser813=; no amino-acid change (serine 813 retained).
Molecular consequence: synonymous variant.
Genome position (GRCh38, 1-based): chr21:46,363,764, C>T. VCF-style: chr21-46363764-C-T. GRCh37 (hg19) VCF-style: chr21-47783679-C-T.
Other names: c.2085C>T, p.Ser695= (NM_001315529.2); c.2439C>T (NM_006031.5).
Identifiers: ClinVar variation 1555890 (VCV001555890.11), dbSNP rs144810300, ClinGen allele CA10078969.

ClinVar aggregate classification (germline): Likely benign. Review status: criteria provided, multiple submitters, no conflicts (2 of 4 stars). 3 submissions from 3 submitters: Likely benign (2). 1 of the submissions does not count toward it. Last evaluated 2024-04-08.

Conditions:
PCNT-related disorder. Also called: PCNT-related condition.

Allele frequency attached by ClinVar (database versions not stated): ExAC 0.00011; gnomAD 0.00024; TOPMed 0.00029; ESP Exome Variant Server 0.00031; 1000 Genomes Project 30x 0.00078; 1000 Genomes Project 0.00100.
gnomAD v4.1: 72 of 1,614,126 alleles (0.0045%); highest among the groups gnomAD compares: African/African-American, 0.069%; no homozygotes.

Submissions (3):

Labcorp Genetics (formerly Invitae), Labcorp
Classification: Likely benign. Last evaluated: 2024-04-08. Review status: criteria provided, single submitter. Criteria: Invitae Variant Classification Sherloc (09022015). Collection method: clinical testing. Allele origin: germline.

Blueprint Genetics
Classification: Likely benign. Last evaluated: 2022-12-15. Review status: criteria provided, single submitter. Criteria: ACMG Guidelines, 2015. Collection method: clinical testing. Allele origin: germline.

PreventionGenetics, part of Exact Sciences
Classification: Likely benign for PCNT-related condition. Last evaluated: 2024-01-02. Review status: no assertion criteria provided. Collection method: clinical testing. Allele origin: germline. Not counted in ClinVar's aggregate classification.
Comment: This variant is classified as likely benign based on ACMG/AMP sequence variant interpretation guidelines (Richards et al. 2015 PMID: 25741868, with internal and published modifications).